The following is an entry in ClinVar:

NM_001365951.3(KIF1B):c.3274A>G (p.Thr1092Ala)

Gene: KIF1B (kinesin family member 1B; plus strand). Cytogenetic location: 1p36.22.
Variant type: single nucleotide variant.
Coding change: c.3274A>G on transcript NM_001365951.3 (MANE Select); coding-DNA position 3274, A replaced by G.
Protein change: p.Thr1092Ala; replaces threonine 1092 with alanine.
Molecular consequence: missense variant.
Genome position (GRCh38, 1-based): chr1:10,337,385, A>G. VCF-style: chr1-10337385-A-G. GRCh37 (hg19) VCF-style: chr1-10397443-A-G.
Other names: c.3274A>G, p.Thr1092Ala (NM_001365952.1); c.3136A>G, p.Thr1046Ala (NM_015074.3); short protein forms T1046A, T1092A.
Identifiers: ClinVar variation 1728010 (VCV001728010.2), dbSNP rs2521721372, ClinGen allele CA338340287.

ClinVar aggregate classification (germline): Uncertain significance (1 of 4 stars; one submission).

Submission:

Ambry Genetics
Classification: Uncertain significance. Last evaluated: 2022-02-07. Review status: criteria provided, single submitter. Criteria: Ambry Variant Classification Scheme 2023. Collection method: clinical testing. Allele origin: germline.
Comment: The p.T1046A variant (also known as c.3136A>G), located in coding exon 28 of the KIF1B gene, results from an A to G substitution at nucleotide position 3136. The threonine at codon 1046 is replaced by alanine, an amino acid with similar properties. This amino acid position is conserved. In addition, this alteration is predicted to be tolerated by in silico analysis. Since supporting evidence is limited at this time, the clinical significance of this alteration remains unclear.